The following is an entry in ClinVar:

ClinVar aggregate classification (germline): Pathogenic (1 of 4 stars; one submission).

Conditions:
Atelosteogenesis type II (AO2). Also called: SLC26A2-Related Atelosteogenesis; NEONATAL OSSEOUS DYSPLASIA I; Neonatal osseous dysplasia 1. Identifiers: Orphanet 56304, MedGen C1850554, MONDO:0009727, OMIM 256050.
Diastrophic dysplasia (DTD). Also called: Diastrophic dwarfism. Identifiers: Orphanet 628, MedGen C0220726, MONDO:0009107, OMIM 222600.
Multiple epiphyseal dysplasia type 4 (EDM4). Also called: Multiple Epiphyseal Dysplasia, Recessive; MULTIPLE EPIPHYSEAL DYSPLASIA WITH BILAYERED PATELLAE; MULTIPLE EPIPHYSEAL DYSPLASIA WITH CLUBFOOT; MULTIPLE EPIPHYSEAL DYSPLASIA, AUTOSOMAL RECESSIVE; SLC26A2-Related Multiple Epiphyseal Dysplasia. Identifiers: Orphanet 93307, MedGen C1847593, MONDO:0009189, OMIM 226900.
Achondrogenesis, type IB (ACG1B). Also called: Achondrogenesis Type 1B. Identifiers: Orphanet 932, Orphanet 93298, MedGen C0265274, MONDO:0010966, OMIM 600972.

Submission:

Labcorp Genetics (formerly Invitae), Labcorp
Classification: Pathogenic for Atelosteogenesis type II; Multiple epiphyseal dysplasia type 4; Achondrogenesis, type IB; Diastrophic dysplasia. Last evaluated: 2023-10-14. Review status: criteria provided, single submitter. Criteria: Invitae Variant Classification Sherloc (09022015). Collection method: clinical testing. Allele origin: germline.
Comment: This sequence change creates a premature translational stop signal (p.Trp505*) in the SLC26A2 gene. While this is not anticipated to result in nonsense mediated decay, it is expected to disrupt the last 235 amino acid(s) of the SLC26A2 protein. This variant is not present in population databases (gnomAD no frequency). This variant has not been reported in the literature in individuals affected with SLC26A2-related conditions. This variant disrupts a region of the SLC26A2 protein in which other variant(s) (p.Ala715Val) have been determined to be pathogenic (PMID: 21077204). This suggests that this is a clinically significant region of the protein, and that variants that disrupt it are likely to be disease-causing. For these reasons, this variant has been classified as Pathogenic.

Literature cited by the submitters: PubMed 21077204.

NM_000112.4(SLC26A2):c.1514G>A (p.Trp505Ter)

Gene: SLC26A2 (solute carrier family 26 member 2; plus strand). Cytogenetic location: 5q32.
Variant type: single nucleotide variant.
Coding change: c.1514G>A on transcript NM_000112.4 (MANE Select); coding-DNA position 1514, G replaced by A.
Protein change: p.Trp505Ter; replaces tryptophan 505 with a stop codon.
Molecular consequence: nonsense.
Genome position (GRCh38, 1-based): chr5:149,981,107, G>A. VCF-style: chr5-149981107-G-A. GRCh37 (hg19) VCF-style: chr5-149360670-G-A.
Other names: short protein forms W505*.
Identifiers: ClinVar variation 2952891 (VCV002952891.3), dbSNP rs2480776226, ClinGen allele CA361708024.
Genomic context (GRCh38, chr5:149,981,107, plus strand): 5'-TGATCACAATTGTAAATCTACGGGGAGCCCTTCGTAAATTTAGGGATCTTCCCAAAATGT[G>A]GAGTATTAGTAGAATGGATACAGTTATCTGGTTTGTTACTATGCTGTCCTCTGCACTGCT-3'